The following is an entry in ClinVar:

ClinVar aggregate classification (germline): Uncertain significance. Review status: criteria provided, multiple submitters, no conflicts (2 of 4 stars). 3 submissions from 3 submitters: Uncertain significance (2). 1 of the submissions does not count toward it. Last evaluated 2025-11-28.

Conditions:
Polycystic kidney disease, adult type (PKD1). Also called: POLYCYSTIC KIDNEY DISEASE, ADULT, TYPE I; Polycystic Kidney Disease 1, Autosomal Dominant; Polycystic kidney disease 1; Polycystic kidney disease 1, severe; Polycystic Kidney, Autosomal Dominant; POLYCYSTIC KIDNEY DISEASE 1 WITH OR WITHOUT POLYCYSTIC LIVER DISEASE. Identifiers: MedGen C3149841, MONDO:0008263, OMIM 173900.
Polycystic kidney disease. Also called: Polycystic kidney dysplasia; Kidney, Polycystic. Identifiers: MedGen C0022680, MeSH D007690, MONDO:0020642, HP:0000113.

Allele frequency attached by ClinVar (database versions not stated): gnomAD exomes below 0.00001; TOPMed below 0.00001.

Submissions (3):

Women's Health and Genetics/Laboratory Corporation of America, LabCorp
Classification: Uncertain significance. Last evaluated: 2025-11-28. Review status: criteria provided, single submitter. Criteria: LabCorp Variant Classification Summary - May 2015. Collection method: clinical testing. Allele origin: germline.
Comment: Variant summary: PKD1 c.8138G>A (p.Gly2713Glu) results in a non-conservative amino acid change in the encoded protein sequence. Algorithms developed to predict the effect of missense changes on protein structure and function are either unavailable or do not agree on the potential impact of this missense change. The frequency data for this variant in gnomAD is considered unreliable, as metrics indicate poor data quality at this position. To our knowledge, no occurrence of c.8138G>A in individuals affected with PKD1-related conditions and no experimental evidence demonstrating its impact on protein function have been reported. ClinVar contains an entry for this variant (Variation ID: 997312). Based on the evidence outlined above, the variant was classified as uncertain significance.

Fulgent Genetics
Classification: Uncertain significance for Polycystic kidney disease, adult type. Last evaluated: 2021-11-24. Review status: criteria provided, single submitter. Criteria: ACMG Guidelines, 2015. Collection method: clinical testing. Allele origin: unknown.

Department of Pathology and Laboratory Medicine, Sinai Health System
Classification: Uncertain significance for Polycystic Kidney disease. Review status: no assertion criteria provided. Collection method: clinical testing. Allele origin: unknown. Affected: yes. Study: The Canadian Open Genetics Repository (COGR). Not counted in ClinVar's aggregate classification.
Comment: The PKD1 p.Gly2713Glu variant was not identified in the literature nor was it identified in the dbSNP, ClinVar, LOVD 3.0, or PKD1-LOVD databases. The variant was identified in ADPKD Mutation Database (as Indeterminate by Athena Diagnostics). The variant was not identified in the following control databases: the Exome Aggregation Consortium (August 8th 2016), or the Genome Aggregation Database (Feb 27, 2017). The p.Gly2713 residue is not conserved in mammals and computational analyses (PolyPhen-2, SIFT, AlignGVGD, BLOSUM, MutationTaster) provide inconsistent predictions regarding the impact to the protein; this information is not very predictive of pathogenicity. The variant occurs outside of the splicing consensus sequence and in silico or computational prediction software programs (SpliceSiteFinder, MaxEntScan, NNSPLICE, GeneSplicer) do not predict a difference in splicing. In summary, based on the above information the clinical significance of this variant cannot be determined with certainty at this time. This variant is classified as a variant of uncertain significance.

NM_001009944.3(PKD1):c.8138G>A (p.Gly2713Glu)

Gene: PKD1 (polycystin 1, transient receptor potential channel interacting; minus strand). Cytogenetic location: 16p13.3.
Variant type: single nucleotide variant.
Coding change: c.8138G>A on transcript NM_001009944.3 (MANE Select); coding-DNA position 8138, G replaced by A.
Protein change: p.Gly2713Glu; replaces glycine 2713 with glutamic acid.
Molecular consequence: missense variant.
Genome position (GRCh38, 1-based): chr16:2,104,521, C>T on the plus strand (G>A on the coding strand, the complement: PKD1 is on the minus strand). VCF-style: chr16-2104521-C-T. GRCh37 (hg19) VCF-style: chr16-2154522-C-T.
Other names: c.8138G>A, p.Gly2713Glu (NM_000296.4); short protein forms G2713E.
Identifiers: ClinVar variation 997312 (VCV000997312.4), dbSNP rs1395231369, ClinGen allele CA394365338.